The following is an entry in ClinVar:

NM_139321.3(ATRN):c.2950C>T (p.Pro984Ser)

Gene: ATRN (attractin; plus strand). Cytogenetic location: 20p13.
Variant type: single nucleotide variant.
Coding change: c.2950C>T on transcript NM_139321.3 (MANE Select); coding-DNA position 2950, C replaced by T.
Protein change: p.Pro984Ser; replaces proline 984 with serine.
Molecular consequence: missense variant.
Genome position (GRCh38, 1-based): chr20:3,584,083, C>T. VCF-style: chr20-3584083-C-T. GRCh37 (hg19) VCF-style: chr20-3564730-C-T.
Other names: c.2602C>T, p.Pro868Ser (NM_001207047.3); c.2950C>T, p.Pro984Ser (NM_001323332.2, NM_139322.4); short protein forms P984S, P868S.
Identifiers: ClinVar variation 1988607 (VCV001988607.4), dbSNP rs773681819, ClinGen allele CA9744377.

ClinVar aggregate classification (germline): Uncertain significance (1 of 4 stars; one submission).

Allele frequency attached by ClinVar (database versions not stated): TOPMed 0.00002.
gnomAD v4.1: 21 of 1,612,800 alleles (0.0013%); highest among the groups gnomAD compares: East Asian, 0.0067%; no homozygotes.

Submission:

Labcorp Genetics (formerly Invitae), Labcorp
Classification: Uncertain significance. Last evaluated: 2022-03-24. Review status: criteria provided, single submitter. Criteria: Invitae Variant Classification Sherloc (09022015). Collection method: clinical testing. Allele origin: germline.
Comment: This variant has not been reported in the literature in individuals affected with ATRN-related conditions. Algorithms developed to predict the effect of missense changes on protein structure and function are either unavailable or do not agree on the potential impact of this missense change (SIFT: "Deleterious"; PolyPhen-2: "Benign"; Align-GVGD: "Class C65"). Algorithms developed to predict the effect of sequence changes on RNA splicing suggest that this variant may disrupt the consensus splice site. In summary, the available evidence is currently insufficient to determine the role of this variant in disease. Therefore, it has been classified as a Variant of Uncertain Significance. This variant is present in population databases (rs773681819, gnomAD 0.03%). This sequence change replaces proline, which is neutral and non-polar, with serine, which is neutral and polar, at codon 984 of the ATRN protein (p.Pro984Ser).